The following is an entry in ClinVar:

ClinVar aggregate classification (germline): Conflicting classifications of pathogenicity. Review status: criteria provided, conflicting classifications (1 of 4 stars). 4 submissions from 4 submitters: Uncertain significance (2); Likely benign (2). Last evaluated 2024-06-03.

Conditions:
Sotos syndrome (SOTOS). Also called: CHROMOSOME 5q35 DELETION SYNDROME; SOTOS SYNDROME 1; Sotos' syndrome; Distinctive facial appearance, overgrowth in childhood, and learning disabilities or delayed development; CEREBRAL GIGANTISM. Identifiers: Orphanet 821, MedGen C0175695, MONDO:0019349, OMIM 117550.

Allele frequency attached by ClinVar (database versions not stated): gnomAD exomes below 0.00001; TOPMed below 0.00001.
gnomAD v4.1: 1 of 1,613,934 alleles (0.000062%); highest among the groups gnomAD compares: Admixed American, 0.0017%; no homozygotes.

Submissions (4):

Labcorp Genetics (formerly Invitae), Labcorp
Classification: Likely benign. Last evaluated: 2024-06-03. Review status: criteria provided, single submitter. Criteria: Invitae Variant Classification Sherloc (09022015). Collection method: clinical testing. Allele origin: germline.

Fulgent Genetics
Classification: Uncertain significance for Sotos syndrome. Last evaluated: 2024-04-08. Review status: criteria provided, single submitter. Criteria: ACMG Guidelines, 2015. Collection method: clinical testing. Allele origin: germline.

CeGaT Center for Human Genetics Tuebingen
Classification: Likely benign. Last evaluated: 2023-03-01. Review status: criteria provided, single submitter. Criteria: CeGaT Center For Human Genetics Tuebingen Variant Classification Criteria Version 2. Collection method: clinical testing. Allele origin: germline. Affected: yes. Observed: 1 variant allele.
Comment: NSD1: BP4, BP7

Eurofins Ntd Llc (ga)
Classification: Uncertain significance. Last evaluated: 2017-06-07. Review status: criteria provided, single submitter. Criteria: EGL Classification Definitions 2015. Collection method: clinical testing. Allele origin: germline. Observed: 1 variant allele, 1 heterozygote.

NM_022455.5(NSD1):c.1260A>G (p.Lys420=)

Gene: NSD1 (nuclear receptor binding SET domain protein 1; plus strand). Cytogenetic location: 5q35.3.
Variant type: single nucleotide variant.
Coding change: c.1260A>G on transcript NM_022455.5 (MANE Select); coding-DNA position 1260, A replaced by G.
Protein change: p.Lys420=; no amino-acid change (lysine 420 retained).
Molecular consequence: synonymous variant.
Genome position (GRCh38, 1-based): chr5:177,209,659, A>G. VCF-style: chr5-177209659-A-G. GRCh37 (hg19) VCF-style: chr5-176636660-A-G.
Other names: c.387A>G, p.Lys129= (NM_001365684.2, NM_001409306.1, NM_001409307.1 and 3 more transcripts); c.1260A>G, p.Lys420= (NM_001409301.1, NM_001409302.1, NM_001409303.1); c.840A>G, p.Lys280= (NM_001409304.1); c.507A>G, p.Lys169= (NM_001409305.1).
Identifiers: ClinVar variation 502428 (VCV000502428.32), dbSNP rs1397377820, ClinGen allele CA447724216.
Genomic context (GRCh38, chr5:177,209,659, plus strand): 5'-TGATAAGTGATAATTCTTTTTCTCCTTTAAATTTAAGGTTCCTCAGAAAATTTTGAGTAA[A>G]TGGGAAGCCAGTGTTGGACTTGCAGAACAGTATGATGTTCCCAAGGGGTCAAAGAACCGA-3'
Protein context (NP_071900.2, residues 410-430): RHKVPQKILS[Lys420=]WEASVGLAEQ